The following is an entry in ClinVar:

NM_000553.6(WRN):c.1320del (p.Ser440fs)

Gene: WRN (WRN RecQ like helicase; plus strand). Cytogenetic location: 8p12.
Variant type: Deletion.
Coding change: c.1320del on transcript NM_000553.6 (MANE Select); coding-DNA position 1320, one base deleted (T; older notation c.1320delT).
Protein change: p.Ser440fs; shifts the reading frame from serine 440.
Molecular consequence: frameshift variant.
Genome position (GRCh38, 1-based): chr8:31,083,749, T deleted. VCF-style (leftmost placement, unchanged base first): chr8-31083748-GT-G. GRCh37 (hg19) VCF-style: chr8-30941264-GT-G.
Other names: short protein forms S440fs.
Identifiers: ClinVar variation 2827099 (VCV002827099.3), dbSNP rs2535916908, ClinGen allele CA2739279518.

ClinVar aggregate classification (germline): Pathogenic (1 of 4 stars; one submission).

Conditions:
Werner syndrome (WRN). Identifiers: Orphanet 902, MedGen C0043119, MONDO:0010196, OMIM 277700.

Submission:

Labcorp Genetics (formerly Invitae), Labcorp
Classification: Pathogenic for Werner syndrome. Last evaluated: 2023-01-08. Review status: criteria provided, single submitter. Criteria: Invitae Variant Classification Sherloc (09022015). Collection method: clinical testing. Allele origin: germline.
Comment: For these reasons, this variant has been classified as Pathogenic. This sequence change creates a premature translational stop signal (p.Ser440Argfs*5) in the WRN gene. It is expected to result in an absent or disrupted protein product. Loss-of-function variants in WRN are known to be pathogenic (PMID: 16673358). This variant is not present in population databases (gnomAD no frequency). This variant has not been reported in the literature in individuals affected with WRN-related conditions.

Literature cited by the submitters: PubMed 16673358.